The following is an entry in ClinVar:

NM_020919.4(ALS2):c.4536T>G (p.Asn1512Lys)

Gene: ALS2 (alsin Rho guanine nucleotide exchange factor ALS2; minus strand). Cytogenetic location: 2q33.1.
Variant type: single nucleotide variant.
Coding change: c.4536T>G on transcript NM_020919.4 (MANE Select); coding-DNA position 4536, T replaced by G.
Protein change: p.Asn1512Lys; replaces asparagine 1512 with lysine.
Molecular consequence: missense variant.
Genome position (GRCh38, 1-based): chr2:201,706,890, A>C on the plus strand (T>G on the coding strand, the complement: ALS2 is on the minus strand). VCF-style: chr2-201706890-A-C. GRCh37 (hg19) VCF-style: chr2-202571613-A-C.
Other names: c.4533T>G, p.Asn1511Lys (NM_001410975.1); short protein forms N1511K, N1512K.
Identifiers: ClinVar variation 2038485 (VCV002038485.4), dbSNP rs2469690699, ClinGen allele CA350321999.
Genomic context (GRCh38, chr2:201,706,890, plus strand): 5'-TAACTACTACACTTACCTCTGCACCCCAAGAAAGCCCAGGAGAGCAATATCTGGCTGCTT[A>C]TTTAGTCGAAGGACACATTCCCAGTAAATGTCTTCCTCGCGATCATTATCCAAAGCATAA-3'
Protein context (NP_065970.2, residues 1502-1522): DIYWECVLRL[Asn1512Lys]KQPDIALLGF

ClinVar aggregate classification (germline): Uncertain significance (1 of 4 stars; one submission).

Conditions:
Infantile-onset ascending hereditary spastic paralysis (IAHSP). Also called: Autosomal Recessive Juvenile Amyotrophic Lateral Sclerosis; Infantile-Onset Ascending Hereditary Spastic Paralysis (IAHSP). Identifiers: Orphanet 293168, MedGen C2931441, MONDO:0011797, OMIM 607225. Disease mechanism: loss of function.

Submission:

Labcorp Genetics (formerly Invitae), Labcorp
Classification: Uncertain significance for Infantile-onset ascending hereditary spastic paralysis. Last evaluated: 2022-08-31. Review status: criteria provided, single submitter. Criteria: Invitae Variant Classification Sherloc (09022015). Collection method: clinical testing. Allele origin: germline.
Comment: This sequence change replaces asparagine, which is neutral and polar, with lysine, which is basic and polar, at codon 1512 of the ALS2 protein (p.Asn1512Lys). In summary, the available evidence is currently insufficient to determine the role of this variant in disease. Therefore, it has been classified as a Variant of Uncertain Significance. Algorithms developed to predict the effect of missense changes on protein structure and function (SIFT, PolyPhen-2, Align-GVGD) all suggest that this variant is likely to be tolerated. This variant has not been reported in the literature in individuals affected with ALS2-related conditions. This variant is not present in population databases (gnomAD no frequency).